The following is an entry in ClinVar:

ClinVar aggregate classification (germline): Uncertain significance (1 of 4 stars; one submission).

Submission:

Ambry Genetics
Classification: Uncertain significance. Last evaluated: 2021-12-16. Review status: criteria provided, single submitter. Criteria: Ambry Variant Classification Scheme 2023. Collection method: clinical testing. Allele origin: germline.
Comment: The p.K204E variant (also known as c.610A>G), located in coding exon 1 of the EGLN1 gene, results from an A to G substitution at nucleotide position 610. The lysine at codon 204 is replaced by glutamic acid, an amino acid with similar properties. This alteration was identified in an individual with erythrocytosis (Gardie B et al. Hypoxia (Auckl), 2014 Jul;2:71-90). This amino acid position is highly conserved in available vertebrate species. In addition, this alteration is predicted to be tolerated by in silico analysis. Since supporting evidence is limited at this time, the clinical significance of this alteration remains unclear.

Literature cited by the submitters: PubMed 27774468.

NM_022051.3(EGLN1):c.610A>G (p.Lys204Glu)

Gene: EGLN1 (egl-9 family hypoxia inducible factor 1; minus strand). Cytogenetic location: 1q42.2.
Variant type: single nucleotide variant.
Coding change: c.610A>G on transcript NM_022051.3 (MANE Select); coding-DNA position 610, A replaced by G.
Protein change: p.Lys204Glu; replaces lysine 204 with glutamic acid.
Molecular consequence: missense variant.
Genome position (GRCh38, 1-based): chr1:231,421,279, T>C on the plus strand (A>G on the coding strand, the complement: EGLN1 is on the minus strand). VCF-style: chr1-231421279-T-C. GRCh37 (hg19) VCF-style: chr1-231557025-T-C.
Other names: c.610A>G, p.Lys204Glu (NM_001377260.1, NM_001377261.1); short protein forms K204E.
Identifiers: ClinVar variation 1751656 (VCV001751656.2), dbSNP rs2527359313, ClinGen allele CA345236316.
Genomic context (GRCh38, chr1:231,421,279, plus strand): 5'-CGCCGATCTGCTGTCCGGTCTCCTTGCCGAGGAAGTCGTCCACCACACAGATGCCGTGCT[T>C]GTTCATGCACGGCACGATGTACTCGAGCGCCAGCTTCAGCGCCGGCAGGGGCTTCGTCTG-3'
Protein context (NP_071334.1, residues 194-214): ALEYIVPCMN[Lys204Glu]HGICVVDDFL